The following is an entry in ClinVar:

NM_002878.4(RAD51D):c.682A>G (p.Met228Val)

Genes: RAD51D (RAD51 paralog D; minus strand), RAD51L3-RFFL (RAD51L3-RFFL readthrough; minus strand). Cytogenetic location: 17q12.
Variant type: single nucleotide variant.
Coding change: c.682A>G on transcript NM_002878.4 (MANE Select); coding-DNA position 682, A replaced by G.
Protein change: p.Met228Val; replaces methionine 228 with valine.
Molecular consequence: missense variant. On other transcripts: non-coding transcript variant (3).
Genome position (GRCh38, 1-based): chr17:35,103,310, T>C on the plus strand (A>G on the coding strand, the complement: RAD51D is on the minus strand). VCF-style: chr17-35103310-T-C. GRCh37 (hg19) VCF-style: chr17-33430329-T-C.
Other names: c.742A>G, p.Met248Val (NM_001142571.2); c.346A>G, p.Met116Val (NM_133629.3); short protein forms M116V, M228V, M248V.
Identifiers: ClinVar variation 2576266 (VCV002576266.3), dbSNP rs1222420549, ClinGen allele CA399087748.

ClinVar aggregate classification (germline): Uncertain significance. Review status: criteria provided, multiple submitters, no conflicts (2 of 4 stars). 2 submissions from 2 submitters: Uncertain significance (2). Last evaluated 2025-03-04.

Conditions:
Hereditary cancer-predisposing syndrome. Also called: Tumor predisposition; Hereditary neoplastic syndrome; Neoplastic Syndromes, Hereditary; Hereditary Cancer Syndrome. Identifiers: Orphanet 140162, MedGen C0027672, MeSH D009386, MONDO:0015356.

Allele frequency attached by ClinVar (database versions not stated): gnomAD exomes below 0.00001.

Submissions (2):

Center for Genomic Medicine, Rigshospitalet, Copenhagen University Hospital
Classification: Uncertain significance. Last evaluated: 2025-03-04. Review status: criteria provided, single submitter. Criteria: ACMG Guidelines, 2015. Collection method: clinical testing. Allele origin: germline.

Ambry Genetics
Classification: Uncertain significance for Hereditary cancer-predisposing syndrome. Last evaluated: 2024-10-19. Review status: criteria provided, single submitter. Criteria: Ambry Variant Classification Scheme 2023. Collection method: clinical testing. Allele origin: germline.
Comment: The p.M228V variant (also known as c.682A>G), located in coding exon 8 of the RAD51D gene, results from an A to G substitution at nucleotide position 682. The methionine at codon 228 is replaced by valine, an amino acid with highly similar properties. This amino acid position is conserved. In addition, this alteration is predicted to be deleterious by in silico analysis. Based on the available evidence, the clinical significance of this variant remains unclear.